The following is an entry in ClinVar:

NM_006950.3(SYN1):c.961C>G (p.Gln321Glu)

Gene: SYN1 (synapsin I; minus strand). Cytogenetic location: Xp11.3.
Variant type: single nucleotide variant.
Coding change: c.961C>G on transcript NM_006950.3 (MANE Select); coding-DNA position 961, C replaced by G.
Protein change: p.Gln321Glu; replaces glutamine 321 with glutamic acid.
Molecular consequence: missense variant.
Genome position (GRCh38, 1-based): chrX:47,576,517, G>C on the plus strand (C>G on the coding strand, the complement: SYN1 is on the minus strand). VCF-style: chrX-47576517-G-C. GRCh37 (hg19) VCF-style: chrX-47435916-G-C.
Other names: c.961C>G, p.Gln321Glu (NM_133499.2); short protein forms Q321E.
Identifiers: ClinVar variation 5017489 (VCV005017489.2).

ClinVar aggregate classification (germline): Uncertain significance (1 of 4 stars; one submission).

gnomAD v4.1: 1 of 1,211,948 alleles (0.000083%); highest among the groups gnomAD compares: Non-Finnish European, 0.00011%; no homozygotes.

Submission:

GeneDx
Classification: Uncertain significance. Last evaluated: 2026-10-25. Review status: criteria provided, single submitter. Criteria: GeneDx Variant Classification Process June 2021. Collection method: clinical testing. Allele origin: germline.
Comment: Not observed at significant frequency in large population cohorts (gnomAD); In silico analysis suggests that this missense variant does not alter protein structure/function; Has not been previously published as pathogenic or benign to our knowledge